The following is an entry in ClinVar:

ClinVar aggregate classification (germline): Pathogenic (1 of 4 stars; one submission).

Conditions:
Hereditary cancer-predisposing syndrome. Also called: Hereditary Cancer Syndrome; Neoplastic Syndromes, Hereditary; Tumor predisposition; Hereditary neoplastic syndrome. Identifiers: Orphanet 140162, MedGen C0027672, MeSH D009386, MONDO:0015356.

Submission:

Ambry Genetics
Classification: Pathogenic for Hereditary cancer-predisposing syndrome. Last evaluated: 2024-12-02. Review status: criteria provided, single submitter. Criteria: Ambry Variant Classification Scheme 2023. Collection method: clinical testing. Allele origin: germline.
Comment: The c.1512delC pathogenic mutation, located in coding exon 9 of the ATM gene, results from a deletion of one nucleotide at nucleotide position 1512, causing a translational frameshift with a predicted alternate stop codon (p.F505Lfs*7). This variant is considered to be rare based on population cohorts in the Genome Aggregation Database (gnomAD). This alteration is expected to result in loss of function by premature protein truncation or nonsense-mediated mRNA decay. As such, this alteration is interpreted as a disease-causing mutation.

NM_000051.4(ATM):c.1512del (p.Phe505fs)

Gene: ATM (ATM serine/threonine kinase; plus strand). Cytogenetic location: 11q22.3.
Variant type: Deletion.
Coding change: c.1512del on transcript NM_000051.4 (MANE Select); coding-DNA position 1512, one base deleted (C; older notation c.1512delC).
Protein change: p.Phe505fs; shifts the reading frame from phenylalanine 505.
Molecular consequence: frameshift variant.
Genome position (GRCh38, 1-based): chr11:108,250,977, C deleted. VCF-style (leftmost placement, unchanged base first): chr11-108250976-AC-A. GRCh37 (hg19) VCF-style: chr11-108121703-AC-A.
Other names: c.1512del, p.Phe505fs (NM_001351834.2); c.1512delC (NM_000051.3); short protein forms F505fs.
Identifiers: ClinVar variation 481245 (VCV000481245.6), dbSNP rs1555071103, ClinGen allele CA658656151.